The following is an entry in ClinVar:

ClinVar aggregate classification (germline): Uncertain significance (1 of 4 stars; one submission).

gnomAD v4.1: 5 of 1,613,500 alleles (0.00031%); highest among the groups gnomAD compares: South Asian, 0.0011%; no homozygotes.

Submission:

Labcorp Genetics (formerly Invitae), Labcorp
Classification: Uncertain significance. Last evaluated: 2024-06-10. Review status: criteria provided, single submitter. Criteria: Invitae Variant Classification Sherloc (09022015). Collection method: clinical testing. Allele origin: germline.
Comment: This sequence change replaces methionine, which is neutral and non-polar, with valine, which is neutral and non-polar, at codon 244 of the TOP2B protein (p.Met244Val). This variant is present in population databases (no rsID available, gnomAD 0.0009%). This variant has not been reported in the literature in individuals affected with TOP2B-related conditions. An algorithm developed to predict the effect of missense changes on protein structure and function (PolyPhen-2) suggests that this variant is likely to be tolerated. In summary, the available evidence is currently insufficient to determine the role of this variant in disease. Therefore, it has been classified as a Variant of Uncertain Significance.

NM_001330700.2(TOP2B):c.745A>G (p.Met249Val)

Gene: TOP2B (DNA topoisomerase II beta; minus strand). Cytogenetic location: 3p24.2.
Variant type: single nucleotide variant.
Coding change: c.745A>G on transcript NM_001330700.2 (MANE Select); coding-DNA position 745, A replaced by G.
Protein change: p.Met249Val; replaces methionine 249 with valine.
Molecular consequence: missense variant.
Genome position (GRCh38, 1-based): chr3:25,636,043, T>C on the plus strand (A>G on the coding strand, the complement: TOP2B is on the minus strand). VCF-style: chr3-25636043-T-C. GRCh37 (hg19) VCF-style: chr3-25677534-T-C.
Other names: c.730A>G, p.Met244Val (NM_001068.3); short protein forms M244V, M249V.
Identifiers: ClinVar variation 3683594 (VCV003683594.2).